The following is an entry in ClinVar:

ClinVar aggregate classification (germline): Uncertain significance (1 of 4 stars; one submission).

Conditions:
Hereditary cancer-predisposing syndrome. Also called: Hereditary Cancer Syndrome; Tumor predisposition; Hereditary neoplastic syndrome; Neoplastic Syndromes, Hereditary. Identifiers: Orphanet 140162, MedGen C0027672, MeSH D009386, MONDO:0015356.

Submission:

Ambry Genetics
Classification: Uncertain significance for Hereditary cancer-predisposing syndrome. Last evaluated: 2024-06-28. Review status: criteria provided, single submitter. Criteria: Ambry Variant Classification Scheme 2023. Collection method: clinical testing. Allele origin: germline.
Comment: The p.I83N variant (also known as c.248T>A), located in coding exon 2 of the MSH3 gene, results from a T to A substitution at nucleotide position 248. The isoleucine at codon 83 is replaced by asparagine, an amino acid with dissimilar properties. This amino acid position is conserved. In addition, this alteration is predicted to be tolerated by in silico analysis. Based on the available evidence, the clinical significance of this variant remains unclear.

NM_002439.5(MSH3):c.248T>A (p.Ile83Asn)

Gene: MSH3 (mutS homolog 3; plus strand). Cytogenetic location: 5q14.1.
Variant type: single nucleotide variant.
Coding change: c.248T>A on transcript NM_002439.5 (MANE Select); coding-DNA position 248, T replaced by A.
Protein change: p.Ile83Asn; replaces isoleucine 83 with asparagine.
Molecular consequence: missense variant.
Genome position (GRCh38, 1-based): chr5:80,656,421, T>A. VCF-style: chr5-80656421-T-A. GRCh37 (hg19) VCF-style: chr5-79952240-T-A.
Other names: short protein forms I83N.
Identifiers: ClinVar variation 3398686 (VCV003398686.1).